The following is an entry in ClinVar:

ClinVar aggregate classification (germline): Uncertain significance (1 of 4 stars; one submission).

Allele frequency attached by ClinVar (database versions not stated): gnomAD 0.00001; gnomAD exomes 0.00001; TOPMed 0.00002.
gnomAD v4.1: 8 of 1,554,206 alleles (0.00051%); highest among the groups gnomAD compares: Admixed American, 0.0019%; no homozygotes.

Submission:

GeneDx
Classification: Uncertain significance. Last evaluated: 2022-03-03. Review status: criteria provided, single submitter. Criteria: GeneDx Variant Classification Process June 2021. Collection method: clinical testing. Allele origin: germline. Affected: yes.
Comment: Has not been previously published as pathogenic or benign to our knowledge; Not observed at significant frequency in large population cohorts (gnomAD); In silico analysis supports that this missense variant does not alter protein structure/function

NM_020778.5(ALPK3):c.3635G>C (p.Arg1212Thr)

Gene: ALPK3 (alpha kinase 3; plus strand). Cytogenetic location: 15q25.3.
Variant type: single nucleotide variant.
Coding change: c.3635G>C on transcript NM_020778.5 (MANE Select); coding-DNA position 3635, G replaced by C.
Protein change: p.Arg1212Thr; replaces arginine 1212 with threonine.
Molecular consequence: missense variant.
Genome position (GRCh38, 1-based): chr15:84,858,373, G>C. VCF-style: chr15-84858373-G-C. GRCh37 (hg19) VCF-style: chr15-85401604-G-C.
Other names: short protein forms R1212T.
Identifiers: ClinVar variation 1310005 (VCV001310005.3), dbSNP rs749791830, ClinGen allele CA7709682.